The following is an entry in ClinVar:

ClinVar aggregate classification (germline): Pathogenic. Review status: criteria provided, multiple submitters, no conflicts (2 of 4 stars). 2 submissions from 2 submitters: Pathogenic (2). Last evaluated 2021-02-01.

Conditions:
Hypohidrotic X-linked ectodermal dysplasia (XHED). Also called: ECTODERMAL DYSPLASIA 1; ECTODERMAL DYSPLASIA 1, HYPOHIDROTIC, X-LINKED; ECTODERMAL DYSPLASIA 1, HYPOHIDROTIC/HAIR/TOOTH TYPE, X-LINKED; Christ-Siemans-Touraine syndrome; Anhidrotic ectodermal dysplasia X-linked; Christ Siemens Touraine syndrome. Identifiers: Orphanet 181, Orphanet 238468, MedGen C0162359, MONDO:0010585, OMIM 305100.

Submissions (2):

Greenwood Genetic Center Diagnostic Laboratories, Greenwood Genetic Center
Classification: Pathogenic. Last evaluated: 2021-02-01. Review status: criteria provided, single submitter. Criteria: ACMG Guidelines, 2015. Collection method: clinical testing. Allele origin: germline. Affected: yes.
Comment: PVS1, PS2, PM2

Labcorp Genetics (formerly Invitae), Labcorp
Classification: Pathogenic for Hypohidrotic X-linked ectodermal dysplasia. Last evaluated: 2020-01-11. Review status: criteria provided, single submitter. Criteria: Invitae Variant Classification Sherloc (09022015). Collection method: clinical testing. Allele origin: germline.
Comment: For these reasons, this variant has been classified as Pathogenic. Loss-of-function variants in EDA are known to be pathogenic (PMID: 9683615). This variant has not been reported in the literature in individuals with EDA-related conditions. This variant is not present in population databases (ExAC no frequency). This sequence change creates a premature translational stop signal (p.Ala166Glufs*114) in the EDA gene. It is expected to result in an absent or disrupted protein product.

Literature cited by the submitters: PubMed 9683615 (cited by Labcorp Genetics (formerly Invitae), Labcorp).

NM_001399.5(EDA):c.497del (p.Ala166fs)

Gene: EDA (ectodysplasin A; plus strand). Cytogenetic location: Xq13.1.
Variant type: Deletion.
Coding change: c.497del on transcript NM_001399.5 (MANE Select); coding-DNA position 497, one base deleted (C; older notation c.497delC).
Protein change: p.Ala166fs; shifts the reading frame from alanine 166.
Molecular consequence: frameshift variant.
Genome position (GRCh38, 1-based): chrX:69,957,127, C deleted. VCF-style (leftmost placement, unchanged base first): chrX-69957126-GC-G. GRCh37 (hg19) VCF-style: chrX-69176976-GC-G.
Other names: c.497del, p.Ala166fs (NM_001005609.2, NM_001005612.3); short protein forms A166fs.
Identifiers: ClinVar variation 1071445 (VCV001071445.11), dbSNP rs2147419276, ClinGen allele CA2499226810.